The following is an entry in ClinVar:

ClinVar aggregate classification (germline): Uncertain significance (1 of 4 stars; one submission).

Conditions:
Stromme syndrome (STROMS). Also called: APPLE PEEL SYNDROME WITH MICROCEPHALY AND OCULAR ANOMALIES; Strømme Syndrome; Ciliary dyskinesia, primary, 31. Identifiers: Orphanet 444069, Orphanet 506307, MedGen C1855705, MONDO:0009477, OMIM 243605.

Allele frequency attached by ClinVar (database versions not stated): gnomAD exomes 0.00004 and 0.00008; gnomAD 0.00005 and below 0.00001; ExAC 0.00010; 1000 Genomes Project 30x 0.00031; 1000 Genomes Project 0.00040; TOPMed 0.00001.
gnomAD v4.1: 71 of 1,614,136 alleles (0.0044%); highest among the groups gnomAD compares: South Asian, 0.074%; no homozygotes.

Submission:

Baylor Genetics
Classification: Uncertain significance for Stromme syndrome. Last evaluated: 2018-10-19. Review status: criteria provided, single submitter. Criteria: ACMG Guidelines, 2015. Collection method: clinical testing. Allele origin: maternal. Affected: yes.
Comment: This variant was determined to be of uncertain significance according to ACMG Guidelines, 2015 [PMID:25741868].

NM_016343.4(CENPF):c.4364A>G (p.Asn1455Ser)

Gene: CENPF (centromere protein F; plus strand). Cytogenetic location: 1q41.
Variant type: single nucleotide variant.
Coding change: c.4364A>G on transcript NM_016343.4 (MANE Select); coding-DNA position 4364, A replaced by G.
Protein change: p.Asn1455Ser; replaces asparagine 1455 with serine.
Molecular consequence: missense variant.
Genome position (GRCh38, 1-based): chr1:214,642,702, A>G. VCF-style: chr1-214642702-A-G. GRCh37 (hg19) VCF-style: chr1-214816045-A-G.
Other names: short protein forms N1455S.
Identifiers: ClinVar variation 1032735 (VCV001032735.1), dbSNP rs376658652, ClinGen allele CA1390578.